The following is an entry in ClinVar:

ClinVar aggregate classification (germline): Uncertain significance. Review status: criteria provided, multiple submitters, no conflicts (2 of 4 stars). 6 submissions from 6 submitters: Uncertain significance (6). Last evaluated 2026-10-06.

Conditions:
Cardiovascular phenotype. Identifiers: MedGen CN230736.
Dilated cardiomyopathy 1EE (CMD1EE). Identifiers: Orphanet 154, MedGen C2750466, MONDO:0013198, OMIM 613252.
Hypertrophic cardiomyopathy 14. Identifiers: MedGen C2750467, MONDO:0013197, OMIM 613251.
Hypertrophic cardiomyopathy 1 (CMH1). Also called: Familial hypertrophic cardiomyopathy 1; MYH7-Related Familial Hypertrophic Cardiomyopathy. Identifiers: MedGen C3495498, MONDO:0008647, OMIM 192600.
Atrial septal defect 3 (ASD3). Identifiers: Orphanet 1478, MedGen C3279790, MONDO:0013567, OMIM 614089.
Sick sinus syndrome 3, susceptibility to (SSS3). Identifiers: Orphanet 166282, MedGen C3279791, MONDO:0013568, OMIM 614090.

Allele frequency attached by ClinVar (database versions not stated): ExAC 0.00001; gnomAD exomes below 0.00001; TOPMed 0.00002.
gnomAD v4.1: 12 of 1,613,900 alleles (0.00074%); highest among the groups gnomAD compares: Middle Eastern, 0.017%; no homozygotes.

Submissions (6):

GeneDx
Classification: Uncertain significance. Last evaluated: 2026-10-06. Review status: criteria provided, single submitter. Criteria: GeneDx Variant Classification Process June 2021. Collection method: clinical testing. Allele origin: germline.
Comment: Not observed at significant frequency in large population cohorts (gnomAD); In silico analysis supports that this missense variant has a deleterious effect on protein structure/function; Has not been previously published as pathogenic or benign to our knowledge

Ambry Genetics
Classification: Uncertain significance for Cardiovascular phenotype. Last evaluated: 2024-12-13. Review status: criteria provided, single submitter. Criteria: Ambry Variant Classification Scheme 2023. Collection method: clinical testing. Allele origin: germline.
Comment: The p.R1798W variant (also known as c.5392C>T), located in coding exon 34 of the MYH6 gene, results from a C to T substitution at nucleotide position 5392. The arginine at codon 1798 is replaced by tryptophan, an amino acid with dissimilar properties. This amino acid position is highly conserved in available vertebrate species. In addition, this alteration is predicted to be deleterious by in silico analysis. Since supporting evidence is limited at this time, the clinical significance of this alteration remains unclear.

Blueprint Genetics
Classification: Uncertain significance. Last evaluated: 2023-12-27. Review status: criteria provided, single submitter. Criteria: ACMG Guidelines, 2015. Collection method: clinical testing. Allele origin: germline.

Fulgent Genetics
Classification: Uncertain significance for Hypertrophic cardiomyopathy 1; Hypertrophic cardiomyopathy 14; Dilated cardiomyopathy 1EE; Atrial septal defect 3; Sick sinus syndrome 3, susceptibility to. Last evaluated: 2022-02-22. Review status: criteria provided, single submitter. Criteria: ACMG Guidelines, 2015. Collection method: clinical testing. Allele origin: unknown.

Labcorp Genetics (formerly Invitae), Labcorp
Classification: Uncertain significance for Hypertrophic cardiomyopathy 14. Last evaluated: 2021-05-09. Review status: criteria provided, single submitter. Criteria: Invitae Variant Classification Sherloc (09022015). Collection method: clinical testing. Allele origin: germline.
Comment: This variant has not been reported in the literature in individuals with MYH6-related conditions. This variant is present in population databases (rs767251436, ExAC 0.009%). This sequence change replaces arginine with tryptophan at codon 1798 of the MYH6 protein (p.Arg1798Trp). The arginine residue is weakly conserved and there is a moderate physicochemical difference between arginine and tryptophan. Algorithms developed to predict the effect of missense changes on protein structure and function are either unavailable or do not agree on the potential impact of this missense change (SIFT: "Deleterious"; PolyPhen-2: "Probably Damaging"; Align-GVGD: "Class C0"). In summary, the available evidence is currently insufficient to determine the role of this variant in disease. Therefore, it has been classified as a Variant of Uncertain Significance.

Revvity Omics, Revvity
Classification: Uncertain significance. Last evaluated: 2019-11-20. Review status: criteria provided, single submitter. Criteria: ACMG Guidelines, 2015. Collection method: clinical testing. Allele origin: germline.

NM_002471.4(MYH6):c.5392C>T (p.Arg1798Trp)

Gene: MYH6 (myosin heavy chain 6; minus strand). Cytogenetic location: 14q11.2.
Variant type: single nucleotide variant.
Coding change: c.5392C>T on transcript NM_002471.4 (MANE Select); coding-DNA position 5392, C replaced by T.
Protein change: p.Arg1798Trp; replaces arginine 1798 with tryptophan.
Molecular consequence: missense variant.
Genome position (GRCh38, 1-based): chr14:23,384,615, G>A on the plus strand (C>T on the coding strand, the complement: MYH6 is on the minus strand). VCF-style: chr14-23384615-G-A. GRCh37 (hg19) VCF-style: chr14-23853824-G-A.
Other names: short protein forms R1798W.
Identifiers: ClinVar variation 1496424 (VCV001496424.19), dbSNP rs767251436, ClinGen allele CA7114443.